The following is an entry in ClinVar:

NM_005076.5(CNTN2):c.1501G>A (p.Gly501Arg)

Gene: CNTN2 (contactin 2; plus strand). Cytogenetic location: 1q32.1.
Variant type: single nucleotide variant.
Coding change: c.1501G>A on transcript NM_005076.5 (MANE Select); coding-DNA position 1501, G replaced by A.
Protein change: p.Gly501Arg; replaces glycine 501 with arginine.
Molecular consequence: missense variant. On other transcripts: non-coding transcript variant (1).
Genome position (GRCh38, 1-based): chr1:205,064,732, G>A. VCF-style: chr1-205064732-G-A. GRCh37 (hg19) VCF-style: chr1-205033860-G-A.
Other names: c.1501G>A, p.Gly501Arg (NM_001346083.2); short protein forms G501R.
Identifiers: ClinVar variation 420437 (VCV000420437.2), dbSNP rs1064794478, ClinGen allele CA16617042.
Genomic context (GRCh38, chr1:205,064,732, plus strand): 5'-TCAGATGAAGGCAAATACACCTGCTTTGCTGAGAACTTCATGGGCAAAGCCAACAGCACT[G>A]GAATCCTATCTGTGCGAGGTGAGGGCTGCCATGTGGGTAGGCCGGGGGCTCAGCCTCCTC-3'
Protein context (NP_005067.1, residues 491-511): ENFMGKANST[Gly501Arg]ILSVRDATKI

ClinVar aggregate classification (germline): Uncertain significance (1 of 4 stars; one submission).

Allele frequency attached by ClinVar (database versions not stated): gnomAD exomes below 0.00001.
gnomAD v4.1: 6 of 1,614,080 alleles (0.00037%); highest among the groups gnomAD compares: Middle Eastern, 0.066%; no homozygotes.

Submission:

GeneDx
Classification: Uncertain significance. Last evaluated: 2016-02-27. Review status: criteria provided, single submitter. Criteria: GeneDx Variant Classification (06012015). Collection method: clinical testing. Allele origin: germline. Affected: yes.
Comment: The G501R variant in the CNTN2 gene has not been reported previously as a pathogenic variant, nor as a benign variant, to our knowledge. The G501R variant was not observed in approximately 6500 individuals of European and African American ancestry in the NHLBI Exome Sequencing Project, indicating it is not a common benign variant in these populations. The G501R variant is a non-conservative amino acid substitution, which is likely to impact secondary protein structure as these residues differ in polarity, charge, size and/or other properties. This substitution occurs at a position that is conserved across species. In silico analysis predicts this variant is probably damaging to the protein structure/function. We interpret G501R as a variant of uncertain significance.